The following is an entry in ClinVar:

NM_000551.4(VHL):c.340+635C>T

Genes: VHL (von Hippel-Lindau tumor suppressor; plus strand), LOC107303340 (3p25 von Hippel-Lindau tumor suppressor, E3 ubiquitin protein ligase Alu-mediated recombination region; plus strand). Cytogenetic location: 3p25.3.
Variant type: single nucleotide variant.
Coding change: c.340+635C>T on transcript NM_000551.4 (MANE Select); 635 bases into the intron after coding-DNA position 340, C replaced by T.
Molecular consequence: intron variant. On other transcripts: missense variant (1).
Genome position (GRCh38, 1-based): chr3:10,142,822, C>T. VCF-style: chr3-10142822-C-T. GRCh37 (hg19) VCF-style: chr3-10184506-C-T.
Other names: c.400C>T, p.Leu134Phe (NM_001354723.2); c.340+635C>T (NM_198156.3); short protein forms L134F.
Identifiers: ClinVar variation 1513109 (VCV001513109.7), dbSNP rs2125125908, ClinGen allele CA2573136104.

ClinVar aggregate classification (germline): Uncertain significance (1 of 4 stars; one submission).

Conditions:
Von Hippel-Lindau syndrome (VHLS). Also called: VHL syndrome; von Hippel–Lindau syndrome; Von Hippel-Lindau. Identifiers: Orphanet 892, MedGen C0019562, MONDO:0008667, OMIM 193300. Disease mechanism: loss of function.
Chuvash polycythemia. Also called: POLYCYTHEMIA, VHL-DEPENDENT. Identifiers: Orphanet 238557, MedGen C1837915, MONDO:0009892, OMIM 263400.

Submission:

Labcorp Genetics (formerly Invitae), Labcorp
Classification: Uncertain significance for Von Hippel-Lindau syndrome; Chuvash polycythemia. Last evaluated: 2020-12-29. Review status: criteria provided, single submitter. Criteria: Invitae Variant Classification Sherloc (09022015). Collection method: clinical testing. Allele origin: germline.
Comment: This sequence change falls in intron 1 of the VHL gene. It is not expected to change the encoded amino acid sequence of the VHL protein. However, this sequence change falls within a cryptic exon in the VHL gene, known as exon E1‚Äö√Ñ√¥, which is naturally expressed at low levels in several human tissues (PMID: 29891534). The frequency data for this variant in the population databases is considered unreliable, as metrics indicate insufficient coverage at this position in the ExAC database. This variant has not been reported in the literature in individuals with VHL-related conditions. Experimental studies and prediction algorithms are not available or were not evaluated, and the functional significance of this variant is currently unknown. In summary, the available evidence is currently insufficient to determine the role of this variant in disease. Therefore, it has been classified as a Variant of Uncertain Significance.

Literature cited by the submitters: PubMed 29891534.